The following is an entry in ClinVar:

ClinVar aggregate classification (germline): Uncertain significance (1 of 4 stars; one submission).

Conditions:
Mosaic variegated aneuploidy syndrome 1 (MVA1). Also called: Warburton-Anyane-Yeboa syndrome. Identifiers: Orphanet 1052, MedGen C1850343, MONDO:0009759, OMIM 257300.

Allele frequency attached by ClinVar (database versions not stated): ExAC 0.00001; gnomAD 0.00001; gnomAD exomes 0.00001 and 0.00003; TOPMed 0.00002.
gnomAD v4.1: 9 of 1,613,774 alleles (0.00056%); highest among the groups gnomAD compares: East Asian, 0.02%; no homozygotes.

Submission:

Labcorp Genetics (formerly Invitae), Labcorp
Classification: Uncertain significance for Mosaic variegated aneuploidy syndrome 1. Last evaluated: 2023-08-10. Review status: criteria provided, single submitter. Criteria: Invitae Variant Classification Sherloc (09022015). Collection method: clinical testing. Allele origin: germline.
Comment: In summary, the available evidence is currently insufficient to determine the role of this variant in disease. Therefore, it has been classified as a Variant of Uncertain Significance. An algorithm developed to predict the effect of missense changes on protein structure and function (PolyPhen-2) suggests that this variant is likely to be disruptive. This sequence change replaces glycine, which is neutral and non-polar, with glutamic acid, which is acidic and polar, at codon 71 of the BUB1B protein (p.Gly71Glu). This variant is present in population databases (rs777922307, gnomAD 0.05%). This variant has not been reported in the literature in individuals affected with BUB1B-related conditions. ClinVar contains an entry for this variant (Variation ID: 938852).

NM_001211.6(BUB1B):c.212G>A (p.Gly71Glu)

Gene: BUB1B (BUB1 mitotic checkpoint serine/threonine kinase B; plus strand). Cytogenetic location: 15q15.1.
Variant type: single nucleotide variant.
Coding change: c.212G>A on transcript NM_001211.6 (MANE Select); coding-DNA position 212, G replaced by A.
Protein change: p.Gly71Glu; replaces glycine 71 with glutamic acid.
Molecular consequence: missense variant.
Genome position (GRCh38, 1-based): chr15:40,170,094, G>A. VCF-style: chr15-40170094-G-A. GRCh37 (hg19) VCF-style: chr15-40462295-G-A.
Other names: short protein forms G71E.
Identifiers: ClinVar variation 938852 (VCV000938852.11), dbSNP rs777922307, ClinGen allele CA7475410.